The following is an entry in ClinVar:

NM_025243.4(SLC19A3):c.895_925del (p.Val299fs)

Gene: SLC19A3 (solute carrier family 19 member 3; minus strand). Cytogenetic location: 2q36.3.
Variant type: Deletion.
Coding change: c.895_925del on transcript NM_025243.4 (MANE Select); coding-DNA positions 895 to 925, 31 bases deleted.
Protein change: p.Val299fs; shifts the reading frame from valine 299.
Molecular consequence: frameshift variant.
Genome position (GRCh38, 1-based): chr2:227,698,790-227,698,820, 31 bases deleted; deleting any 31 consecutive bases within chr2:227,698,790-227,698,822 gives the same sequence; the c. name uses the placement nearest the transcript's 3' end. GRCh37 (hg19): chr2:228,563,508-228,563,538.
Other names: c.895_925del31 (NM_025243.3); c.895_925del, p.Val299fs (NM_001371411.1, NM_001371412.1); c.883_913del, p.Val295fs (NM_001371413.1, NM_001371414.1); short protein forms V295fs, V299fs.
Identifiers: ClinVar variation 817638 (VCV000817638.4), dbSNP rs1574558558, ClinGen allele CA913184737.

ClinVar aggregate classification (germline): Pathogenic. Review status: criteria provided, multiple submitters, no conflicts (2 of 4 stars). 2 submissions from 2 submitters: Pathogenic (2). Last evaluated 2025-03-12.

Conditions:
Biotin-responsive basal ganglia disease (BTBGD). Also called: Thiamine metabolism dysfunction syndrome type 2; Thiamine Transporter-2 Deficiency; THIAMINE METABOLISM DYSFUNCTION SYNDROME 2 (BIOTIN- AND THIAMINE-RESPONSIVE TYPE); Thiamine metabolism dysfunction syndrome 2 (biotin- or thiamine-responsive encephalopathy type 2); thiamine-responsive encephalopathy. Identifiers: Orphanet 199348, Orphanet 65284, MedGen C1843807, MONDO:0011841, OMIM 607483.

Submissions (2):

Revvity Omics, Revvity
Classification: Pathogenic for Biotin-responsive basal ganglia disease. Last evaluated: 2025-03-12. Review status: criteria provided, single submitter. Criteria: ACMG Guidelines, 2015. Collection method: clinical testing. Allele origin: germline.

GeneDx
Classification: Pathogenic. Last evaluated: 2022-05-26. Review status: criteria provided, single submitter. Criteria: GeneDx Variant Classification Process June 2021. Collection method: clinical testing. Allele origin: germline. Affected: yes.
Comment: Frameshift variant predicted to result in protein truncation or nonsense mediated decay in a gene for which loss-of-function is a known mechanism of disease; Not observed in large population cohorts (gnomAD); This variant is associated with the following publications: (PMID: 31557427, 28402605, 23482991)